The following is an entry in ClinVar:

ClinVar aggregate classification (germline): Benign (1 of 4 stars; one submission).

Conditions:
Leigh syndrome (NULS). Also called: Leigh's necrotizing encephalopathy; Leigh's disease; Leigh's syndrome; LEIGH SYNDROME, NUCLEAR; Leigh Syndrome (mtDNA deletion); Leigh Disease. Identifiers: Orphanet 506, MedGen C2931891, MONDO:0009723, OMIM 256000.

Submission:

Wong Mito Lab, Molecular and Human Genetics, Baylor College of Medicine
Classification: Benign for Leigh syndrome. Last evaluated: 2019-10-17. Review status: criteria provided, single submitter. Criteria: Modified ACMG Guidelines (Unpublished). Collection method: clinical testing. Allele origin: germline.
Comment: The NC_012920.1:m.15512T>C (YP_003024038.1:p.Tyr256His) variant in MTCYB gene is interpretated to be a Benign variant based on the modified ACMG guidelines (unpublished). This variant meets the following evidence codes: BS1, BS4

NC_012920.1(MT-CYB):m.15512T>C

Gene: MT-CYB (mitochondrially encoded cytochrome b; plus strand).
Variant type: single nucleotide variant.
Genome position: chrM-15512-T-C.
Identifiers: ClinVar variation 693895 (VCV000693895.1), dbSNP rs879031246, ClinGen allele CA337100428.
Genomic context (GRCh38, chrMT:15,512, plus strand): 5'-CTTCTCTCCTTAATGACATTAACACTATTCTCACCAGACCTCCTAGGCGACCCAGACAAT[T>C]ATACCCTAGCCAACCCCTTAAACACCCCTCCCCACATCAAGCCCGAATGATATTTCCTAT-3'